The following is an entry in ClinVar:

ClinVar aggregate classification (germline): Uncertain significance (1 of 4 stars; one submission).

Submission:

Labcorp Genetics (formerly Invitae), Labcorp
Classification: Uncertain significance. Last evaluated: 2024-05-02. Review status: criteria provided, single submitter. Criteria: Invitae Variant Classification Sherloc (09022015). Collection method: clinical testing. Allele origin: germline.
Comment: This sequence change replaces alanine, which is neutral and non-polar, with proline, which is neutral and non-polar, at codon 217 of the SLC16A1 protein (p.Ala217Pro). This variant is not present in population databases (gnomAD no frequency). This variant has not been reported in the literature in individuals affected with SLC16A1-related conditions. Algorithms developed to predict the effect of missense changes on protein structure and function output the following: SIFT: "Not Available"; PolyPhen-2: "Benign"; Align-GVGD: "Not Available". The proline amino acid residue is found in multiple mammalian species, which suggests that this missense change does not adversely affect protein function. In summary, the available evidence is currently insufficient to determine the role of this variant in disease. Therefore, it has been classified as a Variant of Uncertain Significance.

NM_003051.4(SLC16A1):c.649G>C (p.Ala217Pro)

Gene: SLC16A1 (solute carrier family 16 member 1; minus strand). Cytogenetic location: 1p13.2.
Variant type: single nucleotide variant.
Coding change: c.649G>C on transcript NM_003051.4 (MANE Select); coding-DNA position 649, G replaced by C.
Protein change: p.Ala217Pro; replaces alanine 217 with proline.
Molecular consequence: missense variant.
Genome position (GRCh38, 1-based): chr1:112,917,757, C>G on the plus strand (G>C on the coding strand, the complement: SLC16A1 is on the minus strand). VCF-style: chr1-112917757-C-G. GRCh37 (hg19) VCF-style: chr1-113460379-C-G.
Other names: c.649G>C, p.Ala217Pro (NM_001166496.2); short protein forms A217P.
Identifiers: ClinVar variation 3692765 (VCV003692765.2).
Genomic context (GRCh38, chr1:112,917,757, plus strand): 5'-GTCTTCCAATAAGATCTGTATTTGCATCATGCAGATCTTTTTTCACACCAGATTTTCCAG[C>G]TTTCTCAAGGGATGCTTTAGACTTATCTTTCCCTGCCTTGGTTGGCTTGGGCCCGATTGG-3'
Protein context (NP_003042.3, residues 207-227): KDKSKASLEK[Ala217Pro]GKSGVKKDLH